The following is an entry in ClinVar:

NM_000342.4(SLC4A1):c.1810del (p.Val604fs)

Gene: SLC4A1 (solute carrier family 4 member 1 (Diego blood group); minus strand). Cytogenetic location: 17q21.31.
Variant type: Deletion.
Coding change: c.1810del on transcript NM_000342.4 (MANE Select); coding-DNA position 1810, one base deleted (G; older notation c.1810delG).
Protein change: p.Val604fs; shifts the reading frame from valine 604.
Molecular consequence: frameshift variant.
Genome position (GRCh38, 1-based): chr17:44,255,287, C deleted on the plus strand (G on the coding strand, the reverse complement: SLC4A1 is on the minus strand); the first of 3 consecutive C bases (chr17:44,255,287-44,255,289); deleting any one gives the same sequence. VCF-style (leftmost placement, unchanged base first): chr17-44255286-AC-A. GRCh37 (hg19) VCF-style: chr17-42332654-AC-A.
Other names: p.Val604Serfs*12; short protein forms V604fs.
Identifiers: ClinVar variation 2698496 (VCV002698496.4), dbSNP rs2509963578, ClinGen allele CA2697559957.
Genomic context (GRCh38, chr17:44,255,286, plus strand): 5'-ATGAAGAAATCCACCAGGACCATGATCAGGATGGAGATGGGGACCCCGAAGTCCCCGATG[AC>A]CCGACGCAGCTGGGGGCAGGTGAAAGGACCAGTGGTCAGTGCCCAGTCACTCCCCACCTC-3'

ClinVar aggregate classification (germline): Pathogenic/Likely pathogenic. Review status: criteria provided, multiple submitters, no conflicts (2 of 4 stars). 2 submissions from 2 submitters: Pathogenic (1); Likely pathogenic (1). Last evaluated 2023-11-24.

Submissions (2):

Labcorp Genetics (formerly Invitae), Labcorp
Classification: Pathogenic. Last evaluated: 2023-11-24. Review status: criteria provided, single submitter. Criteria: Invitae Variant Classification Sherloc (09022015). Collection method: clinical testing. Allele origin: germline.
Comment: This sequence change creates a premature translational stop signal (p.Val604Serfs*12) in the SLC4A1 gene. It is expected to result in an absent or disrupted protein product. Loss-of-function variants in SLC4A1 are known to be pathogenic (PMID: 8943874, 10926824, 23255290). This variant is not present in population databases (gnomAD no frequency). This variant has not been reported in the literature in individuals affected with SLC4A1-related conditions. For these reasons, this variant has been classified as Pathogenic.

Mayo Clinic Laboratories, Mayo Clinic
Classification: Likely pathogenic. Last evaluated: 2023-09-14. Review status: criteria provided, single submitter. Criteria: ACMG Guidelines, 2015. Collection method: clinical testing. Allele origin: germline. Observed: 3 variant alleles.
Comment: PM2_moderate, PVS1

Literature cited by the submitters: PubMed 8943874 (cited by Labcorp Genetics (formerly Invitae), Labcorp); PubMed 10926824 (cited by Labcorp Genetics (formerly Invitae), Labcorp); PubMed 23255290 (cited by Labcorp Genetics (formerly Invitae), Labcorp).